The following is an entry in ClinVar:

NM_014991.6(WDFY3):c.3608G>T (p.Gly1203Val)

Gene: WDFY3 (WD repeat and FYVE domain containing 3; minus strand). Cytogenetic location: 4q21.23.
Variant type: single nucleotide variant.
Coding change: c.3608G>T on transcript NM_014991.6 (MANE Select); coding-DNA position 3608, G replaced by T.
Protein change: p.Gly1203Val; replaces glycine 1203 with valine.
Molecular consequence: missense variant.
Genome position (GRCh38, 1-based): chr4:84,789,787, C>A on the plus strand (G>T on the coding strand, the complement: WDFY3 is on the minus strand). VCF-style: chr4-84789787-C-A. GRCh37 (hg19) VCF-style: chr4-85710940-C-A.
Other names: short protein forms G1203V.
Identifiers: ClinVar variation 3774819 (VCV003774819.1).

ClinVar aggregate classification (germline): Uncertain significance (1 of 4 stars; one submission).

Submission:

GeneDx
Classification: Uncertain significance. Last evaluated: 2024-09-26. Review status: criteria provided, single submitter. Criteria: GeneDx Variant Classification Process June 2021. Collection method: clinical testing. Allele origin: germline. Affected: yes.
Comment: Not observed at significant frequency in large population cohorts (gnomAD); In silico analysis supports that this missense variant has a deleterious effect on protein structure/function; Has not been previously published as pathogenic or benign to our knowledge